The following is an entry in ClinVar:

NM_001145715.3(KPNA7):c.636+3_636+6del

Gene: KPNA7 (karyopherin subunit alpha 7; minus strand). Cytogenetic location: 7q22.1.
Variant type: Deletion.
Coding change: c.636+3_636+6del on transcript NM_001145715.3 (MANE Select); bases 3 to 6 of the intron after coding-DNA position 636, 4 bases deleted (AAGT; older notation c.636+3_636+6delAAGT).
Molecular consequence: splice donor variant.
Genome position (GRCh38, 1-based): chr7:99,193,013-99,193,016, ACTT deleted on the plus strand (AAGT on the coding strand, the reverse complement: KPNA7 is on the minus strand); deleting any 4 consecutive bases within chr7:99,193,013-99,193,018 gives the same sequence; the c. name uses the placement nearest the transcript's 3' end. VCF-style (leftmost placement, unchanged base first): chr7-99193012-CACTT-C. GRCh37 (hg19) VCF-style: chr7-98790635-CACTT-C.
Other names: c.636+3_636+6delAAGT (NM_001145715.1).
Identifiers: ClinVar variation 652861 (VCV000652861.6), dbSNP rs1584292693, ClinGen allele CA456845535.

ClinVar aggregate classification (germline): Uncertain significance (1 of 4 stars; one submission).

Submission:

Labcorp Genetics (formerly Invitae), Labcorp
Classification: Uncertain significance. Last evaluated: 2024-02-24. Review status: criteria provided, single submitter. Criteria: Invitae Variant Classification Sherloc (09022015). Collection method: clinical testing. Allele origin: germline.
Comment: This sequence change falls in intron 5 of the KPNA7 gene. It does not directly change the encoded amino acid sequence of the KPNA7 protein. It affects a nucleotide within the consensus splice site. This variant is not present in population databases (gnomAD no frequency). This variant has not been reported in the literature in individuals affected with KPNA7-related conditions. ClinVar contains an entry for this variant (Variation ID: 652861). Variants that disrupt the consensus splice site are a relatively common cause of aberrant splicing (PMID: 17576681, 9536098). Algorithms developed to predict the effect of sequence changes on RNA splicing suggest that this variant may disrupt the consensus splice site. In summary, the available evidence is currently insufficient to determine the role of this variant in disease. Therefore, it has been classified as a Variant of Uncertain Significance.

Literature cited by the submitters: PubMed 17576681; PubMed 9536098.